The following is an entry in ClinVar:

NM_001384910.1(GUCA1A):c.236del (p.Ala79fs)

Genes: GUCA1A (guanylate cyclase activator 1A; plus strand), GUCA1ANB-GUCA1A (GUCA1ANB-GUCA1A readthrough; plus strand). Cytogenetic location: 6p21.1.
Variant type: Deletion.
Coding change: c.236del on transcript NM_001384910.1 (MANE Select); coding-DNA position 236, one base deleted (C; older notation c.236delC).
Protein change: p.Ala79fs; shifts the reading frame from alanine 79.
Molecular consequence: frameshift variant.
Genome position (GRCh38, 1-based): chr6:42,178,314, C deleted. VCF-style (leftmost placement, unchanged base first): chr6-42178313-GC-G. GRCh37 (hg19) VCF-style: chr6-42146051-GC-G.
Other names: c.236del, p.Ala79fs (NM_000409.5, NM_001319061.2, NM_001319062.2); short protein forms A79fs.
Identifiers: ClinVar variation 1958143 (VCV001958143.5), dbSNP rs771332482, ClinGen allele CA3805328.

ClinVar aggregate classification (germline): Uncertain significance (1 of 4 stars; one submission).

Allele frequency attached by ClinVar (database versions not stated): gnomAD exomes below 0.00001; TOPMed below 0.00001; ExAC 0.00001.

Submission:

Labcorp Genetics (formerly Invitae), Labcorp
Classification: Uncertain significance. Last evaluated: 2024-10-26. Review status: criteria provided, single submitter. Criteria: Invitae Variant Classification Sherloc (09022015). Collection method: clinical testing. Allele origin: germline.
Comment: This sequence change creates a premature translational stop signal (p.Ala79Glyfs*23) in the GUCA1A gene. It is expected to result in an absent or disrupted protein product. However, the current clinical and genetic evidence is not sufficient to establish whether loss-of-function variants in GUCA1A cause disease. This variant is present in population databases (rs771332482, gnomAD 0.006%). This variant has not been reported in the literature in individuals affected with GUCA1A-related conditions. ClinVar contains an entry for this variant (Variation ID: 1958143). Algorithms developed to predict the effect of sequence changes on RNA splicing suggest that this variant may disrupt the consensus splice site. In summary, the available evidence is currently insufficient to determine the role of this variant in disease. Therefore, it has been classified as a Variant of Uncertain Significance.